The following is an entry in ClinVar:

ClinVar aggregate classification (germline): Uncertain significance (1 of 4 stars; one submission).

gnomAD v4.1: 30 of 1,612,912 alleles (0.0019%); highest among the groups gnomAD compares: Non-Finnish European, 0.0023%; no homozygotes.

Submission:

Women's Health and Genetics/Laboratory Corporation of America, LabCorp
Classification: Uncertain significance. Last evaluated: 2026-05-01. Review status: criteria provided, single submitter. Criteria: LabCorp Variant Classification Summary - May 2015. Collection method: clinical testing. Allele origin: germline.
Comment: Variant summary: NPR2 c.2686A>G (p.Ile896Val) results in a conservative amino acid change in the encoded protein sequence. Algorithms developed to predict the effect of missense changes on protein structure and function are either unavailable or do not agree on the potential impact of this missense change. The variant allele was found at a frequency of 2e-05 in 251418 control chromosomes. The available data on variant occurrences in the general population are insufficient to allow any conclusion about variant significance. To our knowledge, no occurrence of c.2686A>G in individuals affected with NPR2-related conditions and no experimental evidence demonstrating its impact on protein function have been reported. No submitters have cited clinical-significance assessments for this variant to ClinVar. Based on the evidence outlined above, the variant was classified as uncertain significance.

NM_003995.4(NPR2):c.2686A>G (p.Ile896Val)

Gene: NPR2 (natriuretic peptide receptor 2; plus strand). Cytogenetic location: 9p13.3.
Variant type: single nucleotide variant.
Coding change: c.2686A>G on transcript NM_003995.4 (MANE Select); coding-DNA position 2686, A replaced by G.
Protein change: p.Ile896Val; replaces isoleucine 896 with valine.
Molecular consequence: missense variant.
Genome position (GRCh38, 1-based): chr9:35,807,372, A>G. VCF-style: chr9-35807372-A-G. GRCh37 (hg19) VCF-style: chr9-35807369-A-G.
Other names: c.2695A>G, p.Ile899Val (NM_001378923.1); short protein forms I896V, I899V.
Identifiers: ClinVar variation 4853608 (VCV004853608.1).